The following is an entry in ClinVar:

NM_001278426.4(LILRB4):c.18G>A (p.Thr6=)

Gene: LILRB4 (leukocyte immunoglobulin like receptor B4; plus strand). Cytogenetic location: 19q13.42.
Variant type: single nucleotide variant.
Coding change: c.18G>A on transcript NM_001278426.4 (MANE Select); coding-DNA position 18, G replaced by A.
Protein change: p.Thr6=; no amino-acid change (threonine 6 retained).
Molecular consequence: synonymous variant.
Genome position (GRCh38, 1-based): chr19:54,663,051, G>A. VCF-style: chr19-54663051-G-A. GRCh37 (hg19) VCF-style: chr19-55174503-G-A.
Other names: c.18G>A, p.Thr6= (NM_001278427.4, NM_001278428.4, NM_001278429.4 and 8 more transcripts).
Identifiers: ClinVar variation 2650454 (VCV002650454.24), dbSNP rs36220282, ClinGen allele CA309794520.

ClinVar aggregate classification (germline): Likely benign (1 of 4 stars; one submission).

Allele frequency attached by ClinVar (database versions not stated): ExAC 0.00118; gnomAD 0.00131; TOPMed 0.00131; 1000 Genomes Project 0.00160; ESP Exome Variant Server 0.00161; 1000 Genomes Project 30x 0.00187.
gnomAD v4.1: 2,942 of 1,613,792 alleles (0.18%); highest among the groups gnomAD compares: Middle Eastern, 0.83%; 9 homozygotes.

Submission:

CeGaT Center for Human Genetics Tuebingen
Classification: Likely benign. Last evaluated: 2022-11-01. Review status: criteria provided, single submitter. Criteria: CeGaT Center For Human Genetics Tuebingen Variant Classification Criteria Version 2. Collection method: clinical testing. Allele origin: germline. Affected: yes. Observed: 1 variant allele.
Comment: LILRB4: BP4, BP7, BS2